The following is an entry in ClinVar:

NM_152618.3(BBS12):c.2062A>G (p.Ser688Gly)

Gene: BBS12 (Bardet-Biedl syndrome 12; plus strand). Cytogenetic location: 4q27.
Variant type: single nucleotide variant.
Coding change: c.2062A>G on transcript NM_152618.3 (MANE Select); coding-DNA position 2062, A replaced by G.
Protein change: p.Ser688Gly; replaces serine 688 with glycine.
Molecular consequence: missense variant.
Genome position (GRCh38, 1-based): chr4:122,743,954, A>G. VCF-style: chr4-122743954-A-G. GRCh37 (hg19) VCF-style: chr4-123665109-A-G.
Other names: c.2062A>G, p.Ser688Gly (NM_001178007.2); short protein forms S688G.
Identifiers: ClinVar variation 862964 (VCV000862964.6), dbSNP rs1337705311, ClinGen allele CA358226476.
Genomic context (GRCh38, chr4:122,743,954, plus strand): 5'-CCAAAGATTGAGGCGTGGCGCCGAGCATTGGATTTAGTATTGTTAGTACTTCAGACAGAC[A>G]GTGAAATAATTACTGGACATGGACACACACAGATAAATTCACAGGAATTAACGGGCTTTC-3'
Protein context (NP_689831.2, residues 678-698): DLVLLVLQTD[Ser688Gly]EIITGHGHTQ

ClinVar aggregate classification (germline): Uncertain significance. Review status: criteria provided, multiple submitters, no conflicts (2 of 4 stars). 3 submissions from 3 submitters: Uncertain significance (3). Last evaluated 2025-02-19.

Conditions:
Bardet-Biedl syndrome 12 (BBS12). Identifiers: Orphanet 110, MedGen C1859570, MONDO:0014440, OMIM 615989.
Inborn genetic diseases. Identifiers: MedGen C0950123, MeSH D030342.
Bardet-Biedl syndrome (BBS). Identifiers: Orphanet 110, MedGen C0752166, MONDO:0015229.

Submissions (3):

Ambry Genetics
Classification: Uncertain significance for Inborn genetic diseases. Last evaluated: 2025-02-19. Review status: criteria provided, single submitter. Criteria: Ambry Variant Classification Scheme 2023. Collection method: clinical testing. Allele origin: germline.

Fulgent Genetics
Classification: Uncertain significance for Bardet-Biedl syndrome 12. Last evaluated: 2024-04-20. Review status: criteria provided, single submitter. Criteria: ACMG Guidelines, 2015. Collection method: clinical testing. Allele origin: germline.

Labcorp Genetics (formerly Invitae), Labcorp
Classification: Uncertain significance for Bardet-Biedl syndrome. Last evaluated: 2021-09-01. Review status: criteria provided, single submitter. Criteria: Invitae Variant Classification Sherloc (09022015). Collection method: clinical testing. Allele origin: germline.
Comment: This sequence change replaces serine with glycine at codon 688 of the BBS12 protein (p.Ser688Gly). The serine residue is moderately conserved and there is a small physicochemical difference between serine and glycine. This variant is not present in population databases (ExAC no frequency). This variant has not been reported in the literature in individuals affected with BBS12-related conditions. Algorithms developed to predict the effect of missense changes on protein structure and function (SIFT, PolyPhen-2, Align-GVGD) all suggest that this variant is likely to be tolerated. In summary, the available evidence is currently insufficient to determine the role of this variant in disease. Therefore, it has been classified as a Variant of Uncertain Significance.